The following is an entry in ClinVar:

ClinVar aggregate classification (germline): Uncertain significance (1 of 4 stars; one submission).

Conditions:
Hypertrophic cardiomyopathy. Also called: HYPERTROPHIC MYOCARDIOPATHY. Identifiers: Orphanet 217569, MedGen C0007194, MeSH D002312, MONDO:0005045, HP:0001639.

Submission:

Labcorp Genetics (formerly Invitae), Labcorp
Classification: Uncertain significance for Hypertrophic cardiomyopathy. Last evaluated: 2025-12-28. Review status: criteria provided, single submitter. Criteria: Invitae Variant Classification Sherloc (09022015). Collection method: clinical testing. Allele origin: germline.
Comment: This sequence change replaces aspartic acid, which is acidic and polar, with asparagine, which is neutral and polar, at codon 1658 of the MYOM1 protein (p.Asp1658Asn). This variant is present in population databases (rs769368469, gnomAD 0.003%). This variant has not been reported in the literature in individuals affected with MYOM1-related conditions. Invitae Evidence Modeling of protein sequence and biophysical properties (such as structural, functional, and spatial information, amino acid conservation, physicochemical variation, residue mobility, and thermodynamic stability) has been performed for this missense variant. However, the output from this modeling did not meet the statistical confidence thresholds required to predict the impact of this variant on MYOM1 protein function. In summary, the available evidence is currently insufficient to determine the role of this variant in disease. Therefore, it has been classified as a Variant of Uncertain Significance.

NM_003803.4(MYOM1):c.4972G>A (p.Asp1658Asn)

Gene: MYOM1 (myomesin 1; minus strand). Cytogenetic location: 18p11.31.
Variant type: single nucleotide variant.
Coding change: c.4972G>A on transcript NM_003803.4 (MANE Select); coding-DNA position 4972, G replaced by A.
Protein change: p.Asp1658Asn; replaces aspartic acid 1658 with asparagine.
Molecular consequence: missense variant.
Genome position (GRCh38, 1-based): chr18:3,067,348, C>T on the plus strand (G>A on the coding strand, the complement: MYOM1 is on the minus strand). VCF-style: chr18-3067348-C-T. GRCh37 (hg19) VCF-style: chr18-3067346-C-T.
Other names: c.4684G>A, p.Asp1562Asn (NM_019856.2); short protein forms D1562N, D1658N.
Identifiers: ClinVar variation 4803252 (VCV004803252.1).